The following is an entry in ClinVar:

NM_201384.3(PLEC):c.8644C>T (p.Leu2882=)

Gene: PLEC (plectin; minus strand). Cytogenetic location: 8q24.3.
Variant type: single nucleotide variant.
Coding change: c.8644C>T on transcript NM_201384.3 (MANE Select); coding-DNA position 8644, C replaced by T.
Protein change: p.Leu2882=; no amino-acid change (leucine 2882 retained).
Molecular consequence: synonymous variant.
Genome position (GRCh38, 1-based): chr8:143,921,177, G>A on the plus strand (C>T on the coding strand, the complement: PLEC is on the minus strand). VCF-style: chr8-143921177-G-A. GRCh37 (hg19) VCF-style: chr8-144995345-G-A.
Other names: p.Leu2909=; c.8725C>T, p.Leu2909= (NM_000445.5); c.8602C>T, p.Leu2868= (NM_201378.4); c.8578C>T, p.Leu2860= (NM_201379.3); c.9055C>T, p.Leu3019= (NM_201380.4); c.8548C>T, p.Leu2850= (NM_201381.3); c.8644C>T, p.Leu2882= (NM_201382.4); c.8656C>T, p.Leu2886= (NM_201383.3).
Identifiers: ClinVar variation 282672 (VCV000282672.48), dbSNP rs376081492, ClinGen allele CA4925229.

ClinVar aggregate classification (germline): Conflicting classifications of pathogenicity. Review status: criteria provided, conflicting classifications (1 of 4 stars). 7 submissions from 7 submitters: Uncertain significance (1); Likely benign (5). 1 of the submissions does not count toward it. Last evaluated 2026-01-21.

Conditions:
Epidermolysis bullosa simplex, Ogna type (EBS5A). Also called: Pidermolysis bullosa simplex 5A, Ogna type; EPIDERMOLYSIS BULLOSA SIMPLEX 5A, OGNA TYPE. Identifiers: Orphanet 79401, MedGen C0432317, MONDO:0007555, OMIM 131950.
Epidermolysis bullosa simplex with nail dystrophy (EBS5D). Identifiers: MedGen C4225309, MONDO:0014661, OMIM 616487.
Autosomal recessive limb-girdle muscular dystrophy type 2Q (LGMDR17). Also called: MUSCULAR DYSTROPHY, LIMB-GIRDLE, AUTOSOMAL RECESSIVE 17. Identifiers: Orphanet 254361, MedGen C3150989, MONDO:0013390, OMIM 613723.
Epidermolysis bullosa simplex 5C, with pyloric atresia (EBS5C). Also called: Epidermolysis bullosa simplex with pyloric atresia; PLEC1-Related Epidermolysis Bullosa with Pyloric Atresia; PLEC-Related Epidermolysis Bullosa with Pyloric Atresia. Identifiers: Orphanet 158684, MedGen C2677349, MONDO:0012807, OMIM 612138.
Epidermolysis bullosa simplex 5B, with muscular dystrophy (EBS5B). Also called: Epidermolysis bullosa simplex with muscular dystrophy; EPIDERMOLYSIS BULLOSA SIMPLEX AND LIMB-GIRDLE MUSCULAR DYSTROPHY. Identifiers: Orphanet 257, MedGen C2931072, MONDO:0009181, OMIM 226670.
PLEC-related disorder. Also called: PLEC-related disorders; PLEC-related condition.

Allele frequency attached by ClinVar (database versions not stated): ESP Exome Variant Server 0.00008; ExAC 0.00010; gnomAD exomes 0.00010 and 0.00030; TOPMed 0.00016; gnomAD 0.00017 and 0.00019.
gnomAD v4.1: 462 of 1,613,818 alleles (0.029%); highest among the groups gnomAD compares: Non-Finnish European, 0.037%; no homozygotes.

Submissions (7):

Labcorp Genetics (formerly Invitae), Labcorp
Classification: Likely benign for Autosomal recessive limb-girdle muscular dystrophy type 2Q; Epidermolysis bullosa simplex, Ogna type; Epidermolysis bullosa simplex with nail dystrophy; Epidermolysis bullosa simplex 5C, with pyloric atresia; Epidermolysis bullosa simplex 5B, with muscular dystrophy. Last evaluated: 2026-01-21. Review status: criteria provided, single submitter. Criteria: Invitae Variant Classification Sherloc (09022015). Collection method: clinical testing. Allele origin: germline.

Mayo Clinic Laboratories, Mayo Clinic
Classification: Likely benign. Last evaluated: 2025-08-21. Review status: criteria provided, single submitter. Criteria: ACMG Guidelines, 2015. Collection method: clinical testing. Allele origin: germline. Observed: 1 variant allele.
Comment: BP4, BP7

Revvity Omics, Revvity
Classification: Likely benign. Last evaluated: 2024-10-14. Review status: criteria provided, single submitter. Criteria: ACMG Guidelines, 2015. Collection method: clinical testing. Allele origin: germline.

Blueprint Genetics
Classification: Likely benign. Last evaluated: 2024-10-03. Review status: criteria provided, single submitter. Criteria: ACMG Guidelines, 2015. Collection method: clinical testing. Allele origin: germline.

CeGaT Center for Human Genetics Tuebingen
Classification: Likely benign. Last evaluated: 2022-07-01. Review status: criteria provided, single submitter. Criteria: CeGaT Center For Human Genetics Tuebingen Variant Classification Criteria Version 2. Collection method: clinical testing. Allele origin: germline. Affected: yes. Observed: 1 variant allele.
Comment: PLEC: BP4

Eurofins Ntd Llc (ga)
Classification: Uncertain significance. Last evaluated: 2017-03-28. Review status: criteria provided, single submitter. Criteria: EGL Classification Definitions 2015. Collection method: clinical testing. Allele origin: germline. Observed: 3 variant alleles, 3 heterozygotes.

PreventionGenetics, part of Exact Sciences
Classification: Likely benign for PLEC-related condition. Last evaluated: 2024-05-17. Review status: no assertion criteria provided. Collection method: clinical testing. Allele origin: germline. Not counted in ClinVar's aggregate classification.
Comment: This variant is classified as likely benign based on ACMG/AMP sequence variant interpretation guidelines (Richards et al. 2015 PMID: 25741868, with internal and published modifications).